The following is an entry in ClinVar:

ClinVar aggregate classification (germline): Uncertain significance (1 of 4 stars; one submission).

Submission:

GeneDx
Classification: Uncertain significance. Last evaluated: 2022-02-18. Review status: criteria provided, single submitter. Criteria: GeneDx Variant Classification Process June 2021. Collection method: clinical testing. Allele origin: germline. Affected: yes.
Comment: Not observed in large population cohorts (gnomAD); In silico analysis supports that this missense variant has a deleterious effect on protein structure/function; Has not been previously published as pathogenic or benign to our knowledge

NM_001352027.3(PHF21A):c.25G>T (p.Ala9Ser)

Gene: PHF21A (PHD finger protein 21A; minus strand). Cytogenetic location: 11p11.2.
Variant type: single nucleotide variant.
Coding change: c.25G>T on transcript NM_001352027.3 (MANE Select); coding-DNA position 25, G replaced by T.
Protein change: p.Ala9Ser; replaces alanine 9 with serine.
Molecular consequence: missense variant. On other transcripts: non-coding transcript variant (2).
Genome position (GRCh38, 1-based): chr11:46,084,195, C>A on the plus strand (G>T on the coding strand, the complement: PHF21A is on the minus strand). VCF-style: chr11-46084195-C-A. GRCh37 (hg19) VCF-style: chr11-46105746-C-A.
Other names: c.25G>T, p.Ala9Ser (NM_001352031.3, NM_001352032.3, NM_016621.5 and 6 more transcripts); short protein forms A9S.
Identifiers: ClinVar variation 1314578 (VCV001314578.3), dbSNP rs2135258384, ClinGen allele CA380418865.